The following is an entry in ClinVar:

ClinVar aggregate classification (germline): Likely benign (1 of 4 stars; one submission).

gnomAD v4.1: 17 of 1,614,094 alleles (0.0011%); highest among the groups gnomAD compares: South Asian, 0.0088%; no homozygotes.

Submission:

CeGaT Center for Human Genetics Tuebingen
Classification: Likely benign. Last evaluated: 2024-06-01. Review status: criteria provided, single submitter. Criteria: CeGaT Center For Human Genetics Tuebingen Variant Classification Criteria Version 2. Collection method: clinical testing. Allele origin: germline. Affected: yes. Observed: 1 variant allele.
Comment: CUX1: BP4, BP7

NM_181552.4(CUX1):c.1755C>T (p.Ser585=)

Gene: CUX1 (cut like homeobox 1; plus strand). Cytogenetic location: 7q22.1.
Variant type: single nucleotide variant.
Coding change: c.1755C>T on transcript NM_181552.4 (MANE Select); coding-DNA position 1755, C replaced by T.
Protein change: p.Ser585=; no amino-acid change (serine 585 retained).
Molecular consequence: synonymous variant. On other transcripts: intron variant (5).
Genome position (GRCh38, 1-based): chr7:102,197,166, C>T. VCF-style: chr7-102197166-C-T. GRCh37 (hg19) VCF-style: chr7-101840446-C-T.
Other names: c.1788C>T, p.Ser596= (NM_001202543.2); c.1255+1563C>T (NM_001913.5); c.1249+1563C>T (NM_181500.4); c.1117+1563C>T (NM_001202545.3); c.1207+1563C>T (NM_001202544.3); c.1138+1563C>T (NM_001202546.3).
Identifiers: ClinVar variation 3250783 (VCV003250783.18), dbSNP rs782192316.